The following is an entry in ClinVar:

ClinVar aggregate classification (germline): Uncertain significance. Review status: criteria provided, multiple submitters, no conflicts (2 of 4 stars). 2 submissions from 2 submitters: Uncertain significance (2). Last evaluated 2025-01-11.

Conditions:
Inborn genetic diseases. Identifiers: MedGen C0950123, MeSH D030342.
Hereditary sensory and autonomic neuropathy type 7. Also called: Neuropathy, hereditary sensory and autonomic, type VII; HSAN VII. Identifiers: Orphanet 391397, MedGen C3809882, MONDO:0014244, OMIM 615548.
Familial episodic pain syndrome with predominantly lower limb involvement. Also called: Episodic pain syndrome, familial, 3. Identifiers: Orphanet 391384, Orphanet 391392, MedGen C3809899, MONDO:0014247, OMIM 615552.

Allele frequency attached by ClinVar (database versions not stated): gnomAD exomes below 0.00001; TOPMed below 0.00001.
gnomAD v4.1: 6 of 1,613,108 alleles (0.00037%); highest among the groups gnomAD compares: African/African-American, 0.0067%; no homozygotes.

Submissions (2):

Labcorp Genetics (formerly Invitae), Labcorp
Classification: Uncertain significance for Familial episodic pain syndrome with predominantly lower limb involvement; Hereditary sensory and autonomic neuropathy type 7. Last evaluated: 2025-01-11. Review status: criteria provided, single submitter. Criteria: Invitae Variant Classification Sherloc (09022015). Collection method: clinical testing. Allele origin: germline.
Comment: This sequence change replaces threonine, which is neutral and polar, with arginine, which is basic and polar, at codon 689 of the SCN11A protein (p.Thr689Arg). This variant is present in population databases (no rsID available, gnomAD 0.007%). This variant has not been reported in the literature in individuals affected with SCN11A-related conditions. ClinVar contains an entry for this variant (Variation ID: 1785290). Invitae Evidence Modeling of protein sequence and biophysical properties (such as structural, functional, and spatial information, amino acid conservation, physicochemical variation, residue mobility, and thermodynamic stability) indicates that this missense variant is not expected to disrupt SCN11A protein function with a negative predictive value of 80%. In summary, the available evidence is currently insufficient to determine the role of this variant in disease. Therefore, it has been classified as a Variant of Uncertain Significance.

Ambry Genetics
Classification: Uncertain significance for Inborn genetic diseases. Last evaluated: 2024-04-22. Review status: criteria provided, single submitter. Criteria: Ambry Variant Classification Scheme 2023. Collection method: clinical testing. Allele origin: germline.

NM_001349253.2(SCN11A):c.2066C>G (p.Thr689Arg)

Gene: SCN11A (sodium voltage-gated channel alpha subunit 11; minus strand). Cytogenetic location: 3p22.2.
Variant type: single nucleotide variant.
Coding change: c.2066C>G on transcript NM_001349253.2 (MANE Select); coding-DNA position 2066, C replaced by G.
Protein change: p.Thr689Arg; replaces threonine 689 with arginine.
Molecular consequence: missense variant.
Genome position (GRCh38, 1-based): chr3:38,897,182, G>C on the plus strand (C>G on the coding strand, the complement: SCN11A is on the minus strand). VCF-style: chr3-38897182-G-C. GRCh37 (hg19) VCF-style: chr3-38938673-G-C.
Other names: c.2066C>G, p.Thr689Arg (NM_014139.3); short protein forms T689R.
Identifiers: ClinVar variation 1785290 (VCV001785290.5), dbSNP rs1023162613, ClinGen allele CA352159739.
Genomic context (GRCh38, chr3:38,897,182, plus strand): 5'-ACCAGGACCACAGTCAGGCTTCCAAGGGCTCCGACAGAGTTGCCGATTATCTTAATTAGT[G>C]TGTTCAAAGTTGGCCAGGATTTGGCTAACTTGAAGACCCTGAGCTGTAGAAAAAGACAAC-3'
Protein context (NP_001336182.1, residues 679-699): KLAKSWPTLN[Thr689Arg]LIKIIGNSVG